The following is an entry in ClinVar:

ClinVar aggregate classification (germline): Benign/Likely benign. Review status: criteria provided, multiple submitters, no conflicts (2 of 4 stars). 21 submissions from 19 submitters: Benign (5); Likely benign (11). 5 of the submissions do not count toward it. Last evaluated 2026-06-01.

Conditions:
Cardiovascular phenotype. Identifiers: MedGen CN230736.
Arrhythmogenic cardiomyopathy with wooly hair and keratoderma. Also called: Dilated cardiomyopathy with woolly hair and keratoderma; Carvajal syndrome; PALMOPLANTAR KERATODERMA WITH LEFT VENTRICULAR CARDIOMYOPATHY AND WOOLLY HAIR; Arrhythmogenic cardiomyopathy with woolly hair and keratoderma. Identifiers: Orphanet 65282, MedGen C1854063, MONDO:0011581, OMIM 605676.
Arrhythmogenic right ventricular dysplasia 8 (ARVD8). Also called: Arrhythmogenic Right Ventricular Dysplasia/Cardiomyopathy 8; ARRHYTHMOGENIC RIGHT VENTRICULAR DYSPLASIA, FAMILIAL, 8; ARRHYTHMOGENIC RIGHT VENTRICULAR CARDIOMYOPATHY 8. Identifiers: MedGen C1843896, MONDO:0011831, OMIM 607450.
Cardiomyopathy (CMYO). Also called: Cardiomyopathies. Identifiers: Orphanet 167848, MedGen C0878544, MONDO:0004994, HP:0001638. Inheritance: Various modes of inheritance.
Lethal acantholytic epidermolysis bullosa (EBLA). Identifiers: Orphanet 158687, MedGen C1864826, MONDO:0012323, OMIM 609638.
Woolly hair-skin fragility syndrome (WHSF). Identifiers: Orphanet 293165, MedGen C1843292, MONDO:0957307, OMIM 620415.

Allele frequency attached by ClinVar (database versions not stated): ExAC 0.00109; gnomAD 0.00183 and 0.00195; 1000 Genomes Project 30x 0.00203; TOPMed 0.00207; ESP Exome Variant Server 0.00215; 1000 Genomes Project 0.00240.
gnomAD v4.1: 2,465 of 1,614,148 alleles (0.15%); highest among the groups gnomAD compares: African/African-American, 0.44%; 5 homozygotes.

Submissions (21):

CeGaT Center for Human Genetics Tuebingen
Classification: Likely benign. Last evaluated: 2026-06-01. Review status: criteria provided, single submitter. Criteria: CeGaT Center For Human Genetics Tuebingen Variant Classification Criteria Version 2. Collection method: clinical testing. Allele origin: germline. Affected: yes. Observed: 8 variant alleles.
Comment: DSP: BP4, BP7

Labcorp Genetics (formerly Invitae), Labcorp
Classification: Benign for Arrhythmogenic cardiomyopathy with wooly hair and keratoderma; Arrhythmogenic right ventricular dysplasia 8. Last evaluated: 2026-02-03. Review status: criteria provided, single submitter. Criteria: Invitae Variant Classification Sherloc (09022015). Collection method: clinical testing. Allele origin: germline.

Mayo Clinic Laboratories, Mayo Clinic
Classification: Likely benign. Last evaluated: 2025-05-27. Review status: criteria provided, single submitter. Criteria: ACMG Guidelines, 2015. Collection method: clinical testing. Allele origin: germline. Observed: 11 variant alleles.
Comment: BS1, BP4, BP7

ARUP Laboratories, Molecular Genetics and Genomics, ARUP Laboratories
Classification: Likely benign. Last evaluated: 2025-04-02. Review status: criteria provided, single submitter. Criteria: ARUP Molecular Germline Variant Investigation Process 2024. Collection method: clinical testing. Allele origin: germline.

Molecular Diagnostic Laboratory for Inherited Cardiovascular Disease, Montreal Heart Institute
Classification: Benign. Last evaluated: 2025-02-17. Review status: criteria provided, single submitter. Criteria: ACMG Guidelines, 2015. Collection method: clinical testing. Allele origin: germline. Affected: no.

Blueprint Genetics
Classification: Benign. Last evaluated: 2024-11-12. Review status: criteria provided, single submitter. Criteria: ACMG Guidelines, 2015. Collection method: clinical testing. Allele origin: germline.

All of Us Research Program, National Institutes of Health
Classification: Likely benign for Arrhythmogenic cardiomyopathy with wooly hair and keratoderma. Last evaluated: 2024-02-05. Review status: criteria provided, single submitter. Criteria: ACMG Guidelines, 2015. Collection method: clinical testing. Allele origin: germline. Inheritance: Autosomal dominant inheritance. Observed: 356 variant alleles, 356 heterozygotes.
Comment: This study involves interpretation of variants in research participants for the purpose of population health screening. Participant phenotype was not available at the time of variant classification. Additional details can be found in publication PMID: 35346344, PMCID: PMC8962531

Color Diagnostics, LLC DBA Color Health
Classification: Likely benign for Cardiomyopathy. Last evaluated: 2018-03-14. Review status: criteria provided, single submitter. Criteria: ACMG Guidelines, 2015. Collection method: clinical testing. Allele origin: germline.

Illumina Laboratory Services, Illumina
Classification: Likely benign for Arrhythmogenic cardiomyopathy with wooly hair and keratoderma. Last evaluated: 2018-01-12. Review status: criteria provided, single submitter. Criteria: ICSL Variant Classification Criteria 13 December 2019. Collection method: clinical testing. Allele origin: germline.
Comment: This variant was observed in the ICSL laboratory as part of a predisposition screen in an ostensibly healthy population. It had not been previously curated by ICSL or reported in the Human Gene Mutation Database (HGMD: prior to June 1st, 2018), and was therefore a candidate for classification through an automated scoring system. Utilizing variant allele frequency, disease prevalence and penetrance estimates, and inheritance mode, an automated score was calculated to assess if this variant is too frequent to cause the disease. Based on the score and internal cut-off values, a variant classified as likely benign is not then subjected to further curation. The score for this variant resulted in a classification of likely benign for this disease.

Illumina Laboratory Services, Illumina
Classification: Likely benign for Lethal acantholytic epidermolysis bullosa. Last evaluated: 2018-01-12. Review status: criteria provided, single submitter. Criteria: ICSL Variant Classification Criteria 13 December 2019. Collection method: clinical testing. Allele origin: germline.
Comment: the same text as in the submission from Illumina Laboratory Services, Illumina above.

Illumina Laboratory Services, Illumina
Classification: Likely benign for Arrhythmogenic right ventricular dysplasia 8. Last evaluated: 2018-01-12. Review status: criteria provided, single submitter. Criteria: ICSL Variant Classification Criteria 13 December 2019. Collection method: clinical testing. Allele origin: germline.
Comment: the same text as in the submission from Illumina Laboratory Services, Illumina above.

CHEO Genetics Diagnostic Laboratory, Children's Hospital of Eastern Ontario
Classification: Likely benign for Cardiomyopathy. Last evaluated: 2016-11-11. Review status: criteria provided, single submitter. Criteria: ACMG Guidelines, 2015. Collection method: clinical testing. Allele origin: germline. Study: Canadian Open Genetics Repository.

Ambry Genetics
Classification: Likely benign for Cardiovascular phenotype. Last evaluated: 2015-06-12. Review status: criteria provided, single submitter. Criteria: Ambry Variant Classification Scheme 2023. Collection method: clinical testing. Allele origin: germline.

Laboratory for Molecular Medicine, Mass General Brigham Personalized Medicine
Classification: Benign. Last evaluated: 2015-04-15. Review status: criteria provided, single submitter. Criteria: LMM Criteria. Collection method: clinical testing. Allele origin: germline. Observed: 5 variant alleles.
Comment: p.Thr496Thr in exon 12 of DSP: This variant is not expected to have clinical sig nificance because it has been identified in 0.6% (60/10406) of African chromosom es by the Exome Aggregation Consortium (ExAC; db SNP rs35820473).

GeneDx
Classification: Benign. Last evaluated: 2015-03-03. Review status: criteria provided, single submitter. Criteria: GeneDx Variant Classification Process June 2021. Collection method: clinical testing. Allele origin: germline. Affected: yes.

Breakthrough Genomics
Classification: Likely benign. Review status: criteria provided, single submitter. Criteria: ACMG Guidelines, 2015. Collection method: not provided. Allele origin: germline. Inheritance: Autosomal recessive inheritance. Affected: yes.

Clinical Genetics DNA and cytogenetics Diagnostics Lab, Erasmus MC, Erasmus Medical Center
Classification: Likely benign. Review status: no assertion criteria provided. Collection method: clinical testing. Allele origin: germline. Affected: yes. Study: VKGL Data-share Consensus. Not counted in ClinVar's aggregate classification.

Clinical Genetics, Academic Medical Center
Classification: Benign. Review status: no assertion criteria provided. Collection method: clinical testing. Allele origin: germline. Affected: yes. Study: VKGL Data-share Consensus. Not counted in ClinVar's aggregate classification.

Diagnostic Laboratory, Department of Genetics, University Medical Center Groningen
Classification: Likely benign. Review status: no assertion criteria provided. Collection method: clinical testing. Allele origin: germline. Affected: yes. Study: VKGL Data-share Consensus. Not counted in ClinVar's aggregate classification.

Genome Diagnostics Laboratory, University Medical Center Utrecht
Classification: Likely benign. Review status: no assertion criteria provided. Collection method: clinical testing. Allele origin: germline. Affected: yes. Study: VKGL Data-share Consensus. Not counted in ClinVar's aggregate classification.

Joint Genome Diagnostic Labs from Nijmegen and Maastricht, Radboudumc and MUMC+
Classification: Benign. Review status: no assertion criteria provided. Collection method: clinical testing. Allele origin: germline. Affected: yes. Study: VKGL Data-share Consensus. Not counted in ClinVar's aggregate classification.

NM_004415.4(DSP):c.1488G>A (p.Thr496=)

Gene: DSP (desmoplakin; plus strand). Cytogenetic location: 6p24.3.
Variant type: single nucleotide variant.
Coding change: c.1488G>A on transcript NM_004415.4 (MANE Select); coding-DNA position 1488, G replaced by A.
Protein change: p.Thr496=; no amino-acid change (threonine 496 retained).
Molecular consequence: synonymous variant.
Genome position (GRCh38, 1-based): chr6:7,569,254, G>A. VCF-style: chr6-7569254-G-A. GRCh37 (hg19) VCF-style: chr6-7569487-G-A.
Other names: p.Thr496=; c.1488G>A, p.Thr496= (NM_001008844.3, NM_001319034.2); c.1488G>A (NM_004415.3).
Identifiers: ClinVar variation 44861 (VCV000044861.77), dbSNP rs35820473, ClinGen allele CA004981.
Genomic context (GRCh38, chr6:7,569,254, plus strand): 5'-GCATAAGGGGGATGAGTGTATCCTGAAGGACAACAACGAGCGCAGCAAGTGGTACGTGAC[G>A]GGCCCGGGAGGCGTTGACATGCTTGTTCCCTCTGTGGGGCTGATCATCCCTCCTCCGAAC-3'
Protein context (NP_004406.2, residues 486-506): DNNERSKWYV[Thr496=]GPGGVDMLVP